The following is an entry in ClinVar:

NM_001080508.3(TBX18):c.1714G>A (p.Val572Met)

Gene: TBX18 (T-box transcription factor 18; minus strand). Cytogenetic location: 6q14.3.
Variant type: single nucleotide variant.
Coding change: c.1714G>A on transcript NM_001080508.3 (MANE Select); coding-DNA position 1714, G replaced by A.
Protein change: p.Val572Met; replaces valine 572 with methionine.
Molecular consequence: missense variant.
Genome position (GRCh38, 1-based): chr6:84,736,795, C>T on the plus strand (G>A on the coding strand, the complement: TBX18 is on the minus strand). VCF-style: chr6-84736795-C-T. GRCh37 (hg19) VCF-style: chr6-85446513-C-T.
Other names: short protein forms V572M.
Identifiers: ClinVar variation 4526481 (VCV004526481.1).

ClinVar aggregate classification (germline): Uncertain significance (1 of 4 stars; one submission).

Conditions:
Congenital anomalies of kidney and urinary tract 2. Identifiers: Orphanet 2190, MedGen C5574705, MONDO:0027676, OMIM 143400.

gnomAD v4.1: 1 of 1,614,102 alleles (0.000062%); highest among the groups gnomAD compares: Non-Finnish European, 0.000085%; no homozygotes.

Submission:

MVZ Medizinische Genetik Mainz
Classification: Uncertain significance for Congenital anomalies of kidney and urinary tract 2. Last evaluated: 2025-10-10. Review status: criteria provided, single submitter. Criteria: UK Practice Guidelines For Variant Classification V4 01 2020. Collection method: clinical testing. Allele origin: germline. Inheritance: Autosomal dominant inheritance. Affected: yes. Observed: 1 variant allele.
Comment: ACMG Criteria: PM2_SUP